The following is an entry in ClinVar:

ClinVar aggregate classification (germline): Pathogenic (1 of 4 stars; one submission).

Conditions:
Multiple acyl-CoA dehydrogenase deficiency, severe neonatal type. Identifiers: Orphanet 394529, MedGen C5680029, MONDO:0018332.

Submission:

Victorian Clinical Genetics Services, Murdoch Childrens Research Institute
Classification: Pathogenic for Multiple acyl-CoA dehydrogenase deficiency, severe neonatal type. Last evaluated: 2022-06-24. Review status: criteria provided, single submitter. Criteria: ACMG Guidelines, 2015. Collection method: clinical testing. Allele origin: germline. Inheritance: Autosomal recessive inheritance. Affected: yes.
Comment: Based on the classification scheme VCGS_Germline_v1.3.4, this variant is classified as Pathogenic. Following criteria are met: 0102 - Loss of function is a known mechanism of disease in this gene and is associated with neurodevelopmental disorder with dysmorphic facies, impaired speech and hypotonia (MIM#619005) and DEEAH syndrome (MIM#619004). (I) 0106 - This gene is associated with autosomal recessive disease. (I) 0201 - Variant is predicted to cause nonsense-mediated decay (NMD) and loss of protein (premature termination codon is located at least 54 nucleotides upstream of the final exon-exon junction). (SP) 0252 - This variant is homozygous. (I) 0301 - Variant is absent from gnomAD (both v2 and v3). (SP) 0701 - Other NMD-predicted variants comparable to the one identified in this case have very strong previous evidence for pathogenicity. These variants have been reported multiple times as likely pathogenic and pathogenic, and observed in individuals with either neurodevelopmental disorder with dysmorphic facies, impaired speech and hypotonia (MIM#619005) or DEEAH syndrome (MIM#619004) (ClinVar, PMID: 32761064). (SP) 0807 - This variant has no previous evidence of pathogenicity. (I) 0905 - No published segregation evidence has been identified for this variant. (I) 1007 - No published functional evidence has been identified for this variant. (I) 1208 - Inheritance information for this variant is not currently available in this individual. (I) Legend: (SP) - Supporting pathogenic, (I) - Information, (SB) - Supporting benign

Literature cited by the submitters: PubMed 32761064.

NM_001376571.1(MADD):c.4109T>A (p.Leu1370Ter)

Gene: MADD (MAP kinase activating death domain; plus strand). Cytogenetic location: 11p11.2.
Variant type: single nucleotide variant.
Coding change: c.4109T>A on transcript NM_001376571.1 (MANE Select); coding-DNA position 4109, T replaced by A.
Protein change: p.Leu1370Ter; replaces leucine 1370 with a stop codon.
Molecular consequence: nonsense. On other transcripts: non-coding transcript variant (8).
Genome position (GRCh38, 1-based): chr11:47,309,563, T>A. VCF-style: chr11-47309563-T-A. GRCh37 (hg19) VCF-style: chr11-47331114-T-A.
Other names: c.3800T>A, p.Leu1267Ter (NM_001135943.2); c.3791T>A, p.Leu1264Ter (NM_001135944.2, NM_001376618.1, NM_001376619.1 and 2 more transcripts); c.4097T>A, p.Leu1366Ter (NM_001376572.1, NM_001376573.1, NM_001376599.1 and 2 more transcripts); c.4055T>A, p.Leu1352Ter (NM_001376574.1, NM_001376605.1); c.4049T>A, p.Leu1350Ter (NM_001376575.1); c.4037T>A, p.Leu1346Ter (NM_001376576.1, NM_001376577.1, NM_001376610.1); c.4010T>A, p.Leu1337Ter (NM_001376578.1); c.3983T>A, p.Leu1328Ter (NM_001376579.1, NM_001376580.1, NM_001376622.1 and 1 more transcripts); and 41 more; short protein forms L1089*, L1159*, L1208*, L1220*, L1230*, L1235*, L1237*, L1238*.
Identifiers: ClinVar variation 1699228 (VCV001699228.3), dbSNP rs2140853464, ClinGen allele CA380360896.